The following is an entry in ClinVar:

ClinVar aggregate classification (germline): Uncertain significance (1 of 4 stars; one submission).

Conditions:
Tuberous sclerosis 2 (TSC2). Identifiers: Orphanet 805, MedGen C1860707, MONDO:0013199, OMIM 613254.

Submission:

Labcorp Genetics (formerly Invitae), Labcorp
Classification: Uncertain significance for Tuberous sclerosis 2. Last evaluated: 2020-07-30. Review status: criteria provided, single submitter. Criteria: Invitae Variant Classification Sherloc (09022015). Collection method: clinical testing. Allele origin: germline.
Comment: This sequence change replaces lysine with asparagine at codon 1632 of the TSC2 protein (p.Lys1632Asn). The lysine residue is moderately conserved and there is a moderate physicochemical difference between lysine and asparagine. In summary, the available evidence is currently insufficient to determine the role of this variant in disease. Therefore, it has been classified as a Variant of Uncertain Significance. Algorithms developed to predict the effect of missense changes on protein structure and function do not agree on the potential impact of this missense change (SIFT: "Tolerated"; PolyPhen-2: "Possibly Damaging"; Align-GVGD: "Class C0"). This variant has not been reported in the literature in individuals with TSC2-related disease. This variant is not present in population databases (ExAC no frequency).

NM_000548.5(TSC2):c.4896G>C (p.Lys1632Asn)

Gene: TSC2 (TSC complex subunit 2; plus strand). Cytogenetic location: 16p13.3.
Variant type: single nucleotide variant.
Coding change: c.4896G>C on transcript NM_000548.5 (MANE Select); coding-DNA position 4896, G replaced by C.
Protein change: p.Lys1632Asn; replaces lysine 1632 with asparagine.
Molecular consequence: missense variant.
Genome position (GRCh38, 1-based): chr16:2,086,778, G>C. VCF-style: chr16-2086778-G-C. GRCh37 (hg19) VCF-style: chr16-2136779-G-C.
Other names: c.4695G>C, p.Lys1565Asn (NM_001077183.3); c.4827G>C, p.Lys1609Asn (NM_001114382.3); c.4587G>C, p.Lys1529Asn (NM_001318827.2); c.4551G>C, p.Lys1517Asn (NM_001318829.2); c.4164G>C, p.Lys1388Asn (NM_001318831.2); c.4728G>C, p.Lys1576Asn (NM_001318832.2); c.4698G>C, p.Lys1566Asn (NM_001363528.2); c.4764G>C, p.Lys1588Asn (NM_001370404.1); and 1 more; short protein forms K1632N, K1388N, K1529N, K1566N, K1589N, K1517N, K1565N, K1588N.
Identifiers: ClinVar variation 535923 (VCV000535923.8), dbSNP rs1555438475, ClinGen allele CA394308423.